The following is an entry in ClinVar:

NM_001378964.1(CDON):c.*4000C>T

Gene: CDON (cell adhesion associated, oncogene regulated; minus strand). Cytogenetic location: 11q24.2.
Variant type: single nucleotide variant.
Coding change: c.*4000C>T on transcript NM_001378964.1 (MANE Select); 4000 bases downstream of the stop codon, C replaced by T.
Molecular consequence: 3 prime UTR variant.
Genome position (GRCh38, 1-based): chr11:125,956,942, G>A on the plus strand (C>T on the coding strand, the complement: CDON is on the minus strand). VCF-style: chr11-125956942-G-A. GRCh37 (hg19) VCF-style: chr11-125826837-G-A.
Other names: c.*4000C>T (NM_001243597.3, NM_016952.6).
Identifiers: ClinVar variation 878588 (VCV000878588.4), dbSNP rs79719160, ClinGen allele CA230548985.
Genomic context (GRCh38, chr11:125,956,942, plus strand): 5'-AGGACTGGGGCTAGGGTTTAAGGAAGGCTTATTTAAATATGGGAAATAAAATACAAAAGG[G>A]CCACACCCGATGCAAAAGACTTTGCTGGCTTTCTGGTCAGACAAGCCTAGAGATGTGTAT-3'

ClinVar aggregate classification (germline): Benign (1 of 4 stars; one submission).

Conditions:
Holoprosencephaly 11 (HPE11). Identifiers: Orphanet 2162, MedGen C3280215, MONDO:0013642, OMIM 614226.

Allele frequency attached by ClinVar (database versions not stated): 1000 Genomes Project 30x 0.00109; gnomAD 0.00162 and 0.00145; TOPMed 0.00167; gnomAD exomes 0.00014; 1000 Genomes Project 0.00060.
gnomAD v4.1: 309 of 810,690 alleles (0.038%); highest among the groups gnomAD compares: African/African-American, 0.56%; 1 homozygote.

Submission:

Illumina Laboratory Services, Illumina
Classification: Benign for Holoprosencephaly 11. Last evaluated: 2018-01-12. Review status: criteria provided, single submitter. Criteria: ICSL Variant Classification Criteria 13 December 2019. Collection method: clinical testing. Allele origin: germline.
Comment: This variant was observed in the ICSL laboratory as part of a predisposition screen in an ostensibly healthy population. It had not been previously curated by ICSL or reported in the Human Gene Mutation Database (HGMD: prior to June 1st, 2018), and was therefore a candidate for classification through an automated scoring system. Utilizing variant allele frequency, disease prevalence and penetrance estimates, and inheritance mode, an automated score was calculated to assess if this variant is too frequent to cause the disease. Based on the score and internal cut-off values, a variant classified as benign is not then subjected to further curation. The score for this variant resulted in a classification of benign for this disease.